The following is an entry in ClinVar:

ClinVar aggregate classification (germline): Uncertain significance (1 of 4 stars; one submission).

Submission:

Ambry Genetics
Classification: Uncertain significance. Last evaluated: 2026-06-26. Review status: criteria provided, single submitter. Criteria: Ambry Variant Classification Scheme 2023. Collection method: clinical testing. Allele origin: germline.
Comment: The p.L303I variant (also known as c.907T>A), located in coding exon 7 of the RNF43 gene, results from a T to A substitution at nucleotide position 907. The leucine at codon 303 is replaced by isoleucine, an amino acid with highly similar properties. This amino acid position is conserved. In addition, this alteration is predicted to be tolerated by in silico analysis. Based on the available evidence, the clinical significance of this variant remains unclear.

NM_017763.6(RNF43):c.907T>A (p.Leu303Ile)

Gene: RNF43 (ring finger protein 43; minus strand). Cytogenetic location: 17q22.
Variant type: single nucleotide variant.
Coding change: c.907T>A on transcript NM_017763.6 (MANE Select); coding-DNA position 907, T replaced by A.
Protein change: p.Leu303Ile; replaces leucine 303 with isoleucine.
Molecular consequence: missense variant.
Genome position (GRCh38, 1-based): chr17:58,360,194, A>T on the plus strand (T>A on the coding strand, the complement: RNF43 is on the minus strand). VCF-style: chr17-58360194-A-T. GRCh37 (hg19) VCF-style: chr17-56437555-A-T.
Other names: c.907T>A, p.Leu303Ile (NM_001305544.3); c.526T>A, p.Leu176Ile (NM_001305545.2); short protein forms L303I, L176I.
Identifiers: ClinVar variation 3314922 (VCV003314922.2).